The following is an entry in ClinVar:

ClinVar aggregate classification (germline): Pathogenic (1 of 4 stars; one submission).

Submission:

Labcorp Genetics (formerly Invitae), Labcorp
Classification: Pathogenic. Last evaluated: 2024-12-03. Review status: criteria provided, single submitter. Criteria: Invitae Variant Classification Sherloc (09022015). Collection method: clinical testing. Allele origin: germline.
Comment: This sequence change creates a premature translational stop signal (p.Ile1139Leufs*13) in the TET2 gene. It is expected to result in an absent or disrupted protein product. Loss-of-function variants in TET2 are known to be pathogenic (PMID: 36066697). This variant is not present in population databases (gnomAD no frequency). This variant has not been reported in the literature in individuals affected with TET2-related conditions. For these reasons, this variant has been classified as Pathogenic.

Literature cited by the submitters: PubMed 36066697.

NM_001127208.3(TET2):c.3415del (p.Ile1139fs)

Genes: TET2 (tet methylcytosine dioxygenase 2; plus strand), TET2-AS1 (TET2 antisense RNA 1; minus strand). Cytogenetic location: 4q24.
Variant type: Deletion.
Coding change: c.3415del on transcript NM_001127208.3 (MANE Select); coding-DNA position 3415, one base deleted (A; older notation c.3415delA).
Protein change: p.Ile1139fs; shifts the reading frame from isoleucine 1139.
Molecular consequence: frameshift variant. On other transcripts: 3 prime UTR variant (1).
Genome position (GRCh38, 1-based): chr4:105,241,344, A deleted; the last of 3 consecutive A bases (chr4:105,241,342-105,241,344); deleting any one gives the same sequence. VCF-style (leftmost placement, unchanged base first): chr4-105241341-CA-C. GRCh37 (hg19) VCF-style: chr4-106162498-CA-C.
Other names: c.*3904del (NM_017628.4); short protein forms I1139fs.
Identifiers: ClinVar variation 3607525 (VCV003607525.2).